The following is an entry in ClinVar:

ClinVar aggregate classification (germline): Likely pathogenic (1 of 4 stars; one submission).

Conditions:
Autosomal recessive limb-girdle muscular dystrophy type 2J (LGMDR10). Also called: Limb-girdle muscular dystrophy, type 2J; MUSCULAR DYSTROPHY, LIMB-GIRDLE, AUTOSOMAL RECESSIVE 10. Identifiers: Orphanet 140922, MedGen C1837342, MONDO:0012127, OMIM 608807.
Dilated cardiomyopathy 1G (CMD1G). Identifiers: Orphanet 154, MedGen C1858763, MONDO:0011400, OMIM 604145.

Submission:

Labcorp Genetics (formerly Invitae), Labcorp
Classification: Likely pathogenic for Dilated cardiomyopathy 1G; Autosomal recessive limb-girdle muscular dystrophy type 2J. Last evaluated: 2025-09-21. Review status: criteria provided, single submitter. Criteria: Invitae Variant Classification Sherloc (09022015). Collection method: clinical testing. Allele origin: germline.
Comment: This sequence change creates a premature translational stop signal (p.Lys5523Serfs*24) in the TTN gene. While this is not anticipated to result in nonsense mediated decay, it is expected to create a truncated TTN protein. This variant is not present in population databases (gnomAD no frequency). This variant has not been reported in the literature in individuals affected with TTN-related conditions. Algorithms developed to predict the effect of sequence changes on RNA splicing suggest that this variant may disrupt the consensus splice site. This variant is located in the I band of TTN (PMID: 25589632). Truncating variants in this region have been reported in individuals affected with autosomal recessive centronuclear myopathy (PMID: 23975875, internal data). Truncating variants in this region have also been identified in individuals affected with autosomal dominant dilated cardiomyopathy and/or cardio-related conditions (PMID: 27869827, 32964742, internal data). In summary, the currently available evidence indicates that the variant is pathogenic, but additional data are needed to prove that conclusively. Therefore, this variant has been classified as Likely Pathogenic.

Literature cited by the submitters: PubMed 25589632; PubMed 23975875; PubMed 27869827; PubMed 32964742.

NM_001267550.2(TTN):c.16568_16569del (p.Lys5523fs)

Gene: TTN (titin; minus strand). Cytogenetic location: 2q31.2.
Variant type: Deletion.
Coding change: c.16568_16569del on transcript NM_001267550.2 (MANE Select); coding-DNA positions 16568 to 16569, 2 bases deleted (AA; older notation c.16568_16569delAA).
Protein change: p.Lys5523fs; shifts the reading frame from lysine 5523.
Molecular consequence: frameshift variant. On other transcripts: intron variant (3).
Genome position (GRCh38, 1-based): chr2:178,732,492-178,732,493, TT deleted on the plus strand (AA on the coding strand, the reverse complement: TTN is on the minus strand); deleting any 2 consecutive bases within chr2:178,732,492-178,732,494 gives the same sequence; the c. name uses the placement nearest the transcript's 3' end. VCF-style (leftmost placement, unchanged base first): chr2-178732491-CTT-C. GRCh37 (hg19) VCF-style: chr2-179597218-CTT-C.
Other names: c.15617_15618del, p.Lys5206fs (NM_001256850.1); c.12836_12837del, p.Lys4279fs (NM_133378.4); c.13282+5589_13282+5590del (NM_003319.4); c.13858+5589_13858+5590del (NM_133437.4); c.13657+5589_13657+5590del (NM_133432.3); short protein forms K5523fs, K4279fs, K5206fs.
Identifiers: ClinVar variation 4786191 (VCV004786191.1).